The following is an entry in ClinVar:

ClinVar aggregate classification (germline): Benign. Review status: criteria provided, multiple submitters, no conflicts (2 of 4 stars). 5 submissions from 5 submitters: Benign (5). Last evaluated 2026-01-27.

Conditions:
Immunodeficiency 35 (IMD35). Also called: HIES WITH ATYPICAL MYCOBACTERIOSIS, AUTOSOMAL RECESSIVE; HYPER-IgE SYNDROME WITH ATYPICAL MYCOBACTERIOSIS, AUTOSOMAL RECESSIVE; TYK2 DEFICIENCY; Susceptibility to infection due to TYK2 deficiency. Identifiers: Orphanet 331226, MedGen C1969086, MONDO:0012682, OMIM 611521.

Allele frequency attached by ClinVar (database versions not stated): gnomAD exomes 0.00224; ExAC 0.00271; gnomAD 0.00804 and 0.00860; ESP Exome Variant Server 0.00900; 1000 Genomes Project 0.00938; TOPMed 0.00944; 1000 Genomes Project 30x 0.00968.
gnomAD v4.1: 2,828 of 1,614,052 alleles (0.18%); highest among the groups gnomAD compares: African/African-American, 2.7%; 33 homozygotes.

Submissions (5):

Labcorp Genetics (formerly Invitae), Labcorp
Classification: Benign for Immunodeficiency 35. Last evaluated: 2026-01-27. Review status: criteria provided, single submitter. Criteria: Invitae Variant Classification Sherloc (09022015). Collection method: clinical testing. Allele origin: germline.

Mayo Clinic Laboratories, Mayo Clinic
Classification: Benign. Last evaluated: 2025-06-06. Review status: criteria provided, single submitter. Criteria: ACMG Guidelines, 2015. Collection method: clinical testing. Allele origin: germline. Observed: 2 variant alleles.
Comment: BS1, BS2, BP4_moderate

Illumina Laboratory Services, Illumina
Classification: Benign for Immunodeficiency 35. Last evaluated: 2018-01-13. Review status: criteria provided, single submitter. Criteria: ICSL Variant Classification Criteria 13 December 2019. Collection method: clinical testing. Allele origin: germline.
Comment: This variant was observed in the ICSL laboratory as part of a predisposition screen in an ostensibly healthy population. It had not been previously curated by ICSL or reported in the Human Gene Mutation Database (HGMD: prior to June 1st, 2018), and was therefore a candidate for classification through an automated scoring system. Utilizing variant allele frequency, disease prevalence and penetrance estimates, and inheritance mode, an automated score was calculated to assess if this variant is too frequent to cause the disease. Based on the score and internal cut-off values, a variant classified as benign is not then subjected to further curation. The score for this variant resulted in a classification of benign for this disease.

GeneDx
Classification: Benign. Last evaluated: 2016-03-18. Review status: criteria provided, single submitter. Criteria: GeneDx Variant Classification (06012015). Collection method: clinical testing. Allele origin: germline. Affected: yes.
Comment: This variant is considered likely benign or benign based on one or more of the following criteria: it is a conservative change, it occurs at a poorly conserved position in the protein, it is predicted to be benign by multiple in silico algorithms, and/or has population frequency not consistent with disease.

Breakthrough Genomics
Classification: Benign. Review status: criteria provided, single submitter. Criteria: ACMG Guidelines, 2015. Collection method: not provided. Allele origin: germline. Inheritance: Autosomal recessive inheritance. Affected: yes.

NM_003331.5(TYK2):c.590G>A (p.Arg197His)

Gene: TYK2 (tyrosine kinase 2; minus strand). Cytogenetic location: 19p13.2.
Variant type: single nucleotide variant.
Coding change: c.590G>A on transcript NM_003331.5 (MANE Select); coding-DNA position 590, G replaced by A.
Protein change: p.Arg197His; replaces arginine 197 with histidine.
Molecular consequence: missense variant.
Genome position (GRCh38, 1-based): chr19:10,366,456, C>T on the plus strand (G>A on the coding strand, the complement: TYK2 is on the minus strand). VCF-style: chr19-10366456-C-T. GRCh37 (hg19) VCF-style: chr19-10477132-C-T.
Other names: c.590G>A (LRG_121t1); short protein forms R197H.
Identifiers: ClinVar variation 327958 (VCV000327958.17), dbSNP rs12720263, ClinGen allele CA9193689.